The following is an entry in ClinVar:

ClinVar aggregate classification (germline): Uncertain significance. Review status: criteria provided, multiple submitters, no conflicts (2 of 4 stars). 4 submissions from 4 submitters: Uncertain significance (3). 1 of the submissions does not count toward it. Last evaluated 2024-10-04.

Conditions:
Inborn genetic diseases. Identifiers: MedGen C0950123, MeSH D030342.
Methylmalonic aciduria, cblB type (MACB). Also called: METHYLMALONIC ACIDURIA, VITAMIN B12-RESPONSIVE, DUE TO DEFECT IN SYNTHESIS OF ADENOSYLCOBALAMIN, cblB TYPE; Methylmalonic acidemia cblB type; Vitamin B12-responsive methylmalonic acidemia type cblB. Identifiers: Orphanet 28, Orphanet 79311, MedGen C1855102, MONDO:0009614, OMIM 251110.

Allele frequency attached by ClinVar (database versions not stated): gnomAD exomes 0.00001 and 0.00003; ExAC 0.00003.

Submissions (4):

Ambry Genetics
Classification: Uncertain significance for Inborn genetic diseases. Last evaluated: 2024-10-04. Review status: criteria provided, single submitter. Criteria: Ambry Variant Classification Scheme 2023. Collection method: clinical testing. Allele origin: germline.

Fulgent Genetics
Classification: Uncertain significance for Methylmalonic aciduria, cblB type. Last evaluated: 2023-12-30. Review status: criteria provided, single submitter. Criteria: ACMG Guidelines, 2015. Collection method: clinical testing. Allele origin: germline.

Labcorp Genetics (formerly Invitae), Labcorp
Classification: Uncertain significance for Methylmalonic aciduria, cblB type. Last evaluated: 2021-08-28. Review status: criteria provided, single submitter. Criteria: Invitae Variant Classification Sherloc (09022015). Collection method: clinical testing. Allele origin: germline.
Comment: This sequence change replaces lysine with glutamic acid at codon 106 of the MMAB protein (p.Lys106Glu). The lysine residue is moderately conserved and there is a small physicochemical difference between lysine and glutamic acid. This variant is present in population databases (rs765917146, ExAC 0.01%). This variant has not been reported in the literature in individuals affected with MMAB-related conditions. Algorithms developed to predict the effect of missense changes on protein structure and function (SIFT, PolyPhen-2, Align-GVGD) all suggest that this variant is likely to be tolerated. In summary, the available evidence is currently insufficient to determine the role of this variant in disease. Therefore, it has been classified as a Variant of Uncertain Significance.

Natera, Inc.
Classification: Uncertain significance for Methylmalonic aciduria cblB type. Last evaluated: 2019-11-11. Review status: no assertion criteria provided. Collection method: clinical testing. Allele origin: germline. Not counted in ClinVar's aggregate classification.

NM_052845.4(MMAB):c.316A>G (p.Lys106Glu)

Gene: MMAB (metabolism of cobalamin associated B; minus strand). Cytogenetic location: 12q24.11.
Variant type: single nucleotide variant.
Coding change: c.316A>G on transcript NM_052845.4 (MANE Select); coding-DNA position 316, A replaced by G.
Protein change: p.Lys106Glu; replaces lysine 106 with glutamic acid.
Molecular consequence: missense variant. On other transcripts: non-coding transcript variant (1).
Genome position (GRCh38, 1-based): chr12:109,565,151, T>C on the plus strand (A>G on the coding strand, the complement: MMAB is on the minus strand). VCF-style: chr12-109565151-T-C. GRCh37 (hg19) VCF-style: chr12-110002956-T-C.
Other names: short protein forms K106E.
Identifiers: ClinVar variation 534561 (VCV000534561.12), dbSNP rs765917146, ClinGen allele CA6778961.
Genomic context (GRCh38, chr12:109,565,151, plus strand): 5'-CCAGCTTGGGTGAGATGGTGTTACTCACTTTCTGAAGCTCTTCGGCAAATGTATGGCCCT[T>C]TTCTGTGACTAATTCCAGAGCAAACCTATGAAGAAAAAGGAAAAAGAATTTGCCTGTAAT-3'
Protein context (NP_443077.1, residues 96-116): IGFALELVTE[Lys106Glu]GHTFAEELQK